The following is an entry in ClinVar:

NM_000094.4(COL7A1):c.6026G>C (p.Gly2009Ala)

Gene: COL7A1 (collagen type VII alpha 1 chain; minus strand). Cytogenetic location: 3p21.31.
Variant type: single nucleotide variant.
Coding change: c.6026G>C on transcript NM_000094.4 (MANE Select); coding-DNA position 6026, G replaced by C.
Protein change: p.Gly2009Ala; replaces glycine 2009 with alanine.
Molecular consequence: missense variant.
Genome position (GRCh38, 1-based): chr3:48,575,493, C>G on the plus strand (G>C on the coding strand, the complement: COL7A1 is on the minus strand). VCF-style: chr3-48575493-C-G. GRCh37 (hg19) VCF-style: chr3-48612926-C-G.
Other names: short protein forms G2009A.
Identifiers: ClinVar variation 2734514 (VCV002734514.4), dbSNP rs1342925232, ClinGen allele CA352663797.

ClinVar aggregate classification (germline): Pathogenic/Likely pathogenic. Review status: criteria provided, multiple submitters, no conflicts (2 of 4 stars). 2 submissions from 2 submitters: Pathogenic (1); Likely pathogenic (1). Last evaluated 2023-04-20.

Conditions:
COL7A1-related disorder. Also called: COL7A1-related condition; COL7A1- related disorders.

Submissions (2):

Labcorp Genetics (formerly Invitae), Labcorp
Classification: Pathogenic. Last evaluated: 2023-04-20. Review status: criteria provided, single submitter. Criteria: Invitae Variant Classification Sherloc (09022015). Collection method: clinical testing. Allele origin: germline.
Comment: For these reasons, this variant has been classified as Pathogenic. This variant disrupts the p.Gly2009 amino acid residue in COL7A1. Other variant(s) that disrupt this residue have been determined to be pathogenic (PMID: 9215684, 10084325; Invitae). This suggests that this residue is clinically significant, and that variants that disrupt this residue are likely to be disease-causing. This variant disrupts the triple helix domain of COL7A1. Glycine residues within the Gly-Xaa-Yaa repeats of the triple helix domain are required for the structure and stability of fibrillar collagens (PMID: 7695699, 8218237, 19344236), and variants at these glycine residues in COL7A1 are more frequently observed in individuals with disease than in the general population (PMID: 22058051). However, the clinical significance of this observation remains uncertain since only a limited number of affected individuals have been described to date. Advanced modeling of protein sequence and biophysical properties (such as structural, functional, and spatial information, amino acid conservation, physicochemical variation, residue mobility, and thermodynamic stability) performed at Invitae indicates that this missense variant is expected to disrupt COL7A1 protein function. This missense change has been observed in individual(s) with autosomal dominant dystrophic epidermolysis bullosa (PMID: 16971478, 19197535; Invitae). This variant is not present in population databases (gnomAD no frequency). This sequence change replaces glycine, which is neutral and non-polar, with alanine, which is neutral and non-polar, at codon 2009 of the COL7A1 protein (p.Gly2009Ala).

Blueprint Genetics
Classification: Likely pathogenic for COL7A1-related disorders. Last evaluated: 2022-06-07. Review status: criteria provided, single submitter. Criteria: ACMG Guidelines, 2015. Collection method: clinical testing. Allele origin: germline. Affected: yes. Observed: 1 variant allele.

Literature cited by the submitters: PubMed 9215684 (cited by Labcorp Genetics (formerly Invitae), Labcorp); PubMed 10084325 (cited by Labcorp Genetics (formerly Invitae), Labcorp); PubMed 7695699 (cited by Labcorp Genetics (formerly Invitae), Labcorp); PubMed 8218237 (cited by Labcorp Genetics (formerly Invitae), Labcorp); PubMed 19344236 (cited by Labcorp Genetics (formerly Invitae), Labcorp); PubMed 22058051 (cited by Labcorp Genetics (formerly Invitae), Labcorp); PubMed 16971478 (cited by Labcorp Genetics (formerly Invitae), Labcorp); PubMed 19197535 (cited by Labcorp Genetics (formerly Invitae), Labcorp).